The following is an entry in ClinVar:

ClinVar aggregate classification (germline): Uncertain significance (1 of 4 stars; one submission).

Submission:

Labcorp Genetics (formerly Invitae), Labcorp
Classification: Uncertain significance. Last evaluated: 2025-10-25. Review status: criteria provided, single submitter. Criteria: Invitae Variant Classification Sherloc (09022015). Collection method: clinical testing. Allele origin: germline.
Comment: This sequence change replaces arginine, which is basic and polar, with histidine, which is basic and polar, at codon 697 of the CDH2 protein (p.Arg697His). This variant is present in population databases (no rsID available, gnomAD 0.004%). This variant has not been reported in the literature in individuals affected with CDH2-related conditions. Experimental studies and prediction algorithms are not available or were not evaluated, and the functional significance of this variant is currently unknown. In summary, the available evidence is currently insufficient to determine the role of this variant in disease. Therefore, it has been classified as a Variant of Uncertain Significance.

NM_001792.5(CDH2):c.2090_2091inv (p.Arg697His)

Gene: CDH2 (cadherin 2; minus strand). Cytogenetic location: 18q12.1.
Variant type: Inversion.
Coding change: c.2090_2091inv on transcript NM_001792.5 (MANE Select).
Protein change: p.Arg697His; replaces arginine 697 with histidine.
Molecular consequence: missense variant.
Genome position: GRCh38 VCF-style: chr18-27985118-AC-GT. GRCh37 (hg19) VCF-style: chr18-25565082-AC-GT.
Other names: c.1997_1998inv, p.Arg666His (NM_001308176.2); short protein forms R697H, R666H.
Identifiers: ClinVar variation 1513423 (VCV001513423.5), ClinGen allele CA2573155156.